The following is an entry in ClinVar:

NM_001164508.2(NEB):c.14422G>A (p.Asp4808Asn)

Gene: NEB (nebulin; minus strand). Cytogenetic location: 2q23.3.
Variant type: single nucleotide variant.
Coding change: c.14422G>A on transcript NM_001164508.2 (MANE Select); coding-DNA position 14422, G replaced by A.
Protein change: p.Asp4808Asn; replaces aspartic acid 4808 with asparagine.
Molecular consequence: missense variant. On other transcripts: intron variant (1).
Genome position (GRCh38, 1-based): chr2:151,594,102, C>T on the plus strand (G>A on the coding strand, the complement: NEB is on the minus strand). VCF-style: chr2-151594102-C-T. GRCh37 (hg19) VCF-style: chr2-152450616-C-T.
Other names: c.14422G>A, p.Asp4808Asn (NM_001164507.2, NM_001271208.2); c.11601+15707G>A (NM_004543.5); short protein forms D4808N.
Identifiers: ClinVar variation 2672828 (VCV002672828.24), dbSNP rs1336732470, ClinGen allele CA348763511.

ClinVar aggregate classification (germline): Uncertain significance. Review status: criteria provided, multiple submitters, no conflicts (2 of 4 stars). 3 submissions from 3 submitters: Uncertain significance (2). 1 of the submissions does not count toward it. Last evaluated 2023-11-01.

Conditions:
Arthrogryposis multiplex congenita 6. Identifiers: MedGen C5543431, MONDO:0030281, OMIM 619334.
Nemaline myopathy 2 (NEM2). Also called: Nemaline myopathy 2, autosomal recessive. Identifiers: MedGen C1850569, MONDO:0009725, OMIM 256030.
NEB-related disorder. Also called: NEB-Related Disorders; NEB-related condition.

Submissions (3):

CeGaT Center for Human Genetics Tuebingen
Classification: Uncertain significance. Last evaluated: 2023-11-01. Review status: criteria provided, single submitter. Criteria: CeGaT Center For Human Genetics Tuebingen Variant Classification Criteria Version 2. Collection method: clinical testing. Allele origin: germline. Affected: yes. Observed: 1 variant allele.
Comment: NEB: PM2, BP4

Department of Pathology and Laboratory Medicine, Sinai Health System
Classification: Uncertain significance for Nemaline myopathy 2; Arthrogryposis multiplex congenita 6. Last evaluated: 2020-05-13. Review status: criteria provided, single submitter. Criteria: ACMG Guidelines, 2015. Collection method: research. Allele origin: germline.

PreventionGenetics, part of Exact Sciences
Classification: Uncertain significance for NEB-related condition. Last evaluated: 2024-08-16. Review status: no assertion criteria provided. Collection method: clinical testing. Allele origin: germline. Not counted in ClinVar's aggregate classification.
Comment: The NEB c.14422G>A variant is predicted to result in the amino acid substitution p.Asp4808Asn. To our knowledge, this variant has not been reported in the literature. This variant is reported in 0.016% of alleles in individuals of European (Non-Finnish) descent in gnomAD. At this time, the clinical significance of this variant is uncertain due to the absence of conclusive functional and genetic evidence.